The following is an entry in ClinVar:

ClinVar aggregate classification (germline): Pathogenic (1 of 4 stars; one submission).

Conditions:
Dyskeratosis congenita, autosomal recessive 5 (DKCB5). Identifiers: MedGen C3554656, MONDO:0014076, OMIM 615190.
Pulmonary fibrosis and/or bone marrow failure, Telomere-related, 3. Also called: PULMONARY FIBROSIS AND/OR BONE MARROW FAILURE SYNDROME, TELOMERE-RELATED, 3. Identifiers: Orphanet 2032, MedGen C4225346, MONDO:0014613, OMIM 616373.

Submission:

Labcorp Genetics (formerly Invitae), Labcorp
Classification: Pathogenic for Dyskeratosis congenita, autosomal recessive 5; Pulmonary fibrosis and/or bone marrow failure, Telomere-related, 3. Last evaluated: 2022-11-08. Review status: criteria provided, single submitter. Criteria: Invitae Variant Classification Sherloc (09022015). Collection method: clinical testing. Allele origin: germline.
Comment: This variant has not been reported in the literature in individuals affected with RTEL1-related conditions. For these reasons, this variant has been classified as Pathogenic. ClinVar contains an entry for this variant (Variation ID: 1454177). This variant is not present in population databases (gnomAD no frequency). This sequence change creates a premature translational stop signal (p.Thr1131Aspfs*56) in the RTEL1 gene. It is expected to result in an absent or disrupted protein product. Loss-of-function variants in RTEL1 are known to be pathogenic (PMID: 23453664, 23959892, 25607374).

Literature cited by the submitters: PubMed 23453664; PubMed 23959892; PubMed 25607374.

NM_001283009.2(RTEL1):c.3389dup (p.Thr1131fs)

Genes: RTEL1 (regulator of telomere elongation helicase 1; plus strand), RTEL1-TNFRSF6B (RTEL1-TNFRSF6B readthrough (NMD candidate); plus strand). Cytogenetic location: 20q13.33.
Variant type: Duplication.
Coding change: c.3389dup on transcript NM_001283009.2 (MANE Select); coding-DNA position 3389, one base duplicated (A; older notation c.3389dupA).
Protein change: p.Thr1131fs; shifts the reading frame from threonine 1131.
Molecular consequence: frameshift variant. On other transcripts: non-coding transcript variant (1).
Genome position (GRCh38, 1-based): chr20:63,695,111, A duplicated. VCF-style (leftmost placement, unchanged base first): chr20-63695110-C-CA. GRCh37 (hg19) VCF-style: chr20-62326463-C-CA.
Other names: c.2720dup, p.Thr908fs (NM_001283010.1); c.3389dup, p.Thr1131fs (NM_016434.4); c.3461dup, p.Thr1155fs (NM_032957.5); short protein forms T1155fs, T908fs, T1131fs.
Identifiers: ClinVar variation 1454177 (VCV001454177.6), dbSNP rs2145477500, ClinGen allele CA2573157224.